The following is an entry in ClinVar:

ClinVar aggregate classification (germline): Uncertain significance. Review status: criteria provided, multiple submitters, no conflicts (2 of 4 stars). 2 submissions from 2 submitters: Uncertain significance (2). Last evaluated 2023-06-29.

Conditions:
Inborn genetic diseases. Identifiers: MedGen C0950123, MeSH D030342.

Allele frequency attached by ClinVar (database versions not stated): gnomAD exomes below 0.00001 and 0.00004; TOPMed below 0.00001; gnomAD 0.00001; ExAC 0.00004.
gnomAD v4.1: 6 of 1,613,434 alleles (0.00037%); highest among the groups gnomAD compares: East Asian, 0.011%; no homozygotes.

Submissions (2):

Ambry Genetics
Classification: Uncertain significance for Inborn genetic diseases. Last evaluated: 2023-06-29. Review status: criteria provided, single submitter. Criteria: Ambry Variant Classification Scheme 2023. Collection method: clinical testing. Allele origin: germline.

Labcorp Genetics (formerly Invitae), Labcorp
Classification: Uncertain significance. Last evaluated: 2021-12-12. Review status: criteria provided, single submitter. Criteria: Invitae Variant Classification Sherloc (09022015). Collection method: clinical testing. Allele origin: germline.
Comment: Algorithms developed to predict the effect of missense changes on protein structure and function are either unavailable or do not agree on the potential impact of this missense change (SIFT: "Deleterious"; PolyPhen-2: "Benign"; Align-GVGD: "Class C0"). This variant has not been reported in the literature in individuals affected with TNNI3K-related conditions. This variant is present in population databases (rs779669223, gnomAD 0.05%). This sequence change replaces phenylalanine, which is neutral and non-polar, with cysteine, which is neutral and slightly polar, at codon 55 of the TNNI3K protein (p.Phe55Cys). In summary, the available evidence is currently insufficient to determine the role of this variant in disease. Therefore, it has been classified as a Variant of Uncertain Significance.

NM_015978.3(TNNI3K):c.164T>G (p.Phe55Cys)

Genes: FPGT-TNNI3K (FPGT-TNNI3K readthrough; plus strand), TNNI3K (TNNI3 interacting kinase; plus strand). Cytogenetic location: 1p31.1.
Variant type: single nucleotide variant.
Coding change: c.164T>G on transcript NM_015978.3 (MANE Select); coding-DNA position 164, T replaced by G.
Protein change: p.Phe55Cys; replaces phenylalanine 55 with cysteine.
Molecular consequence: missense variant.
Genome position (GRCh38, 1-based): chr1:74,249,473, T>G. VCF-style: chr1-74249473-T-G. GRCh37 (hg19) VCF-style: chr1-74715157-T-G.
Other names: c.467T>G, p.Phe156Cys (NM_001112808.3, NM_001199327.2); short protein forms F55C, F156C.
Identifiers: ClinVar variation 1408850 (VCV001408850.7), dbSNP rs779669223, ClinGen allele CA908795.
Genomic context (GRCh38, chr1:74,249,473, plus strand): 5'-TGCTAAAAGATGAATTTTGTGATCATCTGTAACATGTTTTTTTCAGCTCTGATGAAGCCT[T>G]CAGTAAAGTCAATTTAAATTACCGCACTGAAAATGGGCTGTCTCTACTTCATTTATGTTG-3'
Protein context (NP_057062.1, residues 45-65): LRNIFGSDEA[Phe55Cys]SKVNLNYRTE